The following is an entry in ClinVar:

ClinVar aggregate classification (germline): Uncertain significance (1 of 4 stars; one submission).

Conditions:
Catecholaminergic polymorphic ventricular tachycardia 1. Also called: VENTRICULAR TACHYCARDIA, CATECHOLAMINERGIC POLYMORPHIC, 1, WITH OR WITHOUT ATRIAL DYSFUNCTION AND/OR DILATED CARDIOMYOPATHY; RYR2-Related Catecholaminergic Polymorphic Ventricular Tachycardia; VENTRICULAR TACHYCARDIA, STRESS-INDUCED POLYMORPHIC 1. Identifiers: Orphanet 3286, MedGen C1631597, MONDO:0011484, OMIM 604772.

Submission:

Labcorp Genetics (formerly Invitae), Labcorp
Classification: Uncertain significance for Catecholaminergic polymorphic ventricular tachycardia 1. Last evaluated: 2025-12-22. Review status: criteria provided, single submitter. Criteria: Invitae Variant Classification Sherloc (09022015). Collection method: clinical testing. Allele origin: germline.
Comment: This sequence change creates a premature translational stop signal (p.Thr687Metfs*54) in the RYR2 gene. It is expected to result in an absent or disrupted protein product. However, the current clinical and genetic evidence is not sufficient to establish whether loss-of-function variants in RYR2 cause disease. This variant is not present in population databases (gnomAD no frequency). This variant has not been reported in the literature in individuals affected with RYR2-related conditions. In summary, the available evidence is currently insufficient to determine the role of this variant in disease. Therefore, it has been classified as a Variant of Uncertain Significance.

NM_001035.3(RYR2):c.2060_2063del (p.Thr687fs)

Gene: RYR2 (ryanodine receptor 2; plus strand). Cytogenetic location: 1q43.
Variant type: Deletion.
Coding change: c.2060_2063del on transcript NM_001035.3 (MANE Select); coding-DNA positions 2060 to 2063, 4 bases deleted (CAGC; older notation c.2060_2063delCAGC).
Protein change: p.Thr687fs; shifts the reading frame from threonine 687.
Molecular consequence: frameshift variant.
Genome position (GRCh38, 1-based): chr1:237,496,609-237,496,612, CAGC deleted. VCF-style (leftmost placement, unchanged base first): chr1-237496608-ACAGC-A. GRCh37 (hg19) VCF-style: chr1-237659908-ACAGC-A.
Other names: short protein forms T687fs.
Identifiers: ClinVar variation 4733532 (VCV004733532.1).
Genomic context (GRCh38, chr1:237,496,608, plus strand): 5'-TCTGCTCAGTATAAGAAATGGTACTATGAATTGATGGTGGACCACACAGAGCCCTTTGTG[ACAGC>A]TGAAGCAACTCACCTGCGAGTGGGCTGGGCTTCCACTGAAGGATATTCTCCCTACCCTGG-3'